The following is an entry in ClinVar:

ClinVar aggregate classification (germline): Uncertain significance (1 of 4 stars; one submission).

gnomAD v4.1: 4 of 1,609,506 alleles (0.00025%); highest among the groups gnomAD compares: South Asian, 0.0011%; no homozygotes.

Submission:

Ambry Genetics
Classification: Uncertain significance. Last evaluated: 2025-02-12. Review status: criteria provided, single submitter. Criteria: Ambry Variant Classification Scheme 2023. Collection method: clinical testing. Allele origin: germline.
Comment: The p.D196V variant (also known as c.587A>T), located in coding exon 5 of the RNF43 gene, results from an A to T substitution at nucleotide position 587. The aspartic acid at codon 196 is replaced by valine, an amino acid with highly dissimilar properties. This amino acid position is conserved. In addition, this alteration is predicted to be tolerated by in silico analysis. Based on the available evidence, the clinical significance of this variant remains unclear.

NM_017763.6(RNF43):c.587A>T (p.Asp196Val)

Gene: RNF43 (ring finger protein 43; minus strand). Cytogenetic location: 17q22.
Variant type: single nucleotide variant.
Coding change: c.587A>T on transcript NM_017763.6 (MANE Select); coding-DNA position 587, A replaced by T.
Protein change: p.Asp196Val; replaces aspartic acid 196 with valine.
Molecular consequence: missense variant.
Genome position (GRCh38, 1-based): chr17:58,362,644, T>A on the plus strand (A>T on the coding strand, the complement: RNF43 is on the minus strand). VCF-style: chr17-58362644-T-A. GRCh37 (hg19) VCF-style: chr17-56440005-T-A.
Other names: c.587A>T, p.Asp196Val (NM_001305544.3); c.206A>T, p.Asp69Val (NM_001305545.2); short protein forms D69V, D196V.
Identifiers: ClinVar variation 3789940 (VCV003789940.1).